The following is an entry in ClinVar:

ClinVar aggregate classification (germline): Uncertain significance (1 of 4 stars; one submission).

Conditions:
Developmental and epileptic encephalopathy, 36 (DEE36). Also called: Epileptic encephalopathy, early infantile, 36; ALG13-CDG; Congenital disorder of glycosylation, type Is. Identifiers: Orphanet 324422, MedGen C4317295, MONDO:0010472, OMIM 300884.

Allele frequency attached by ClinVar (database versions not stated): gnomAD exomes below 0.00001 and 0.00001; ExAC 0.00001.
gnomAD v4.1: 4 of 1,209,512 alleles (0.00033%); highest among the groups gnomAD compares: South Asian, 0.0053%; no homozygotes.

Submission:

Labcorp Genetics (formerly Invitae), Labcorp
Classification: Uncertain significance for Developmental and epileptic encephalopathy, 36. Last evaluated: 2021-10-14. Review status: criteria provided, single submitter. Criteria: Invitae Variant Classification Sherloc (09022015). Collection method: clinical testing. Allele origin: germline.
Comment: In summary, the available evidence is currently insufficient to determine the role of this variant in disease. Therefore, it has been classified as a Variant of Uncertain Significance. Algorithms developed to predict the effect of missense changes on protein structure and function are either unavailable or do not agree on the potential impact of this missense change (SIFT: "Deleterious"; PolyPhen-2: "Probably Damaging"; Align-GVGD: "Class C0"). This variant has not been reported in the literature in individuals affected with ALG13-related conditions. This variant is present in population databases (rs778521226, ExAC 0.01%). This sequence change replaces glycine with serine at codon 120 of the ALG13 protein (p.Gly120Ser). The glycine residue is weakly conserved and there is a small physicochemical difference between glycine and serine.

NM_001099922.3(ALG13):c.358G>A (p.Gly120Ser)

Gene: ALG13 (ALG13 UDP-N-acetylglucosaminyltransferase subunit; plus strand). Cytogenetic location: Xq23.
Variant type: single nucleotide variant.
Coding change: c.358G>A on transcript NM_001099922.3 (MANE Select); coding-DNA position 358, G replaced by A.
Protein change: p.Gly120Ser; replaces glycine 120 with serine.
Molecular consequence: missense variant. On other transcripts: non-coding transcript variant (3).
Genome position (GRCh38, 1-based): chrX:111,685,078, G>A. VCF-style: chrX-111685078-G-A. GRCh37 (hg19) VCF-style: chrX-110928306-G-A.
Other names: c.299G>A, p.Gly100Glu (NM_001039210.5); c.358G>A, p.Gly120Ser (NM_001168385.3, NM_001324292.2, NM_018466.6); c.46G>A, p.Gly16Ser (NM_001257230.2, NM_001257234.2, NM_001257235.3 and 6 more transcripts); c.124G>A, p.Gly42Ser (NM_001257231.2, NM_001257241.3); c.364G>A, p.Gly122Ser (NM_001324290.2); short protein forms G16S, G120S, G122S, G100E, G42S.
Identifiers: ClinVar variation 1464985 (VCV001464985.6), dbSNP rs778521226, ClinGen allele CA10493484.
Genomic context (GRCh38, chrX:111,685,078, plus strand): 5'-ATAAACGAAAAGTTGATGAACAATCATCAGCTGGAACTGGCAAAGCAGCTACACAAAGAG[G>A]GTCATCTCTTCTATTGTACCTGCAGGTATGCTAGAGACTGATTATTATTATCTCTTGCCT-3'
Protein context (NP_001093392.1, residues 110-130): LELAKQLHKE[Gly120Ser]HLFYCTCRVL